The following is an entry in ClinVar:

ClinVar aggregate classification (germline): Uncertain significance (1 of 4 stars; one submission).

Conditions:
Inborn genetic diseases. Identifiers: MedGen C0950123, MeSH D030342.

gnomAD v4.1: 8 of 1,614,100 alleles (0.0005%); highest among the groups gnomAD compares: East Asian, 0.013%; no homozygotes.

Submission:

Ambry Genetics
Classification: Uncertain significance for Inborn genetic diseases. Last evaluated: 2025-10-21. Review status: criteria provided, single submitter. Criteria: Ambry Variant Classification Scheme 2023. Collection method: clinical testing. Allele origin: germline.
Comment: The p.K1160R variant (also known as c.3479A>G), located in coding exon 24 of the ANKRD26 gene, results from an A to G substitution at nucleotide position 3479. The lysine at codon 1160 is replaced by arginine, an amino acid with highly similar properties. This amino acid position is conserved. In addition, this alteration is predicted to be tolerated by in silico analysis. Based on the available evidence, the clinical significance of this variant remains unclear.

NM_014915.3(ANKRD26):c.3479A>G (p.Lys1160Arg)

Gene: ANKRD26 (ankyrin repeat domain 26; minus strand). Cytogenetic location: 10p12.1.
Variant type: single nucleotide variant.
Coding change: c.3479A>G on transcript NM_014915.3 (MANE Select); coding-DNA position 3479, A replaced by G.
Protein change: p.Lys1160Arg; replaces lysine 1160 with arginine.
Molecular consequence: missense variant.
Genome position (GRCh38, 1-based): chr10:27,034,971, T>C on the plus strand (A>G on the coding strand, the complement: ANKRD26 is on the minus strand). VCF-style: chr10-27034971-T-C. GRCh37 (hg19) VCF-style: chr10-27323900-T-C.
Other names: c.3476A>G, p.Lys1159Arg (NM_001256053.2); short protein forms K1160R, K1159R.
Identifiers: ClinVar variation 4578667 (VCV004578667.1).